The following is an entry in ClinVar:

ClinVar aggregate classification (germline): Uncertain significance (1 of 4 stars; one submission).

Conditions:
Oocyte maturation defect 2 (OZEMA2). Also called: OOCYTE/ZYGOTE/EMBRYO MATURATION ARREST 2. Identifiers: MedGen C4225210, MONDO:0021573, OMIM 616780.

Submission:

Juno Genomics, Hangzhou Juno Genomics, Inc
Classification: Uncertain significance for Oocyte maturation defect 2. Review status: criteria provided, single submitter. Criteria: ACMG Guidelines, 2015. Collection method: clinical testing. Allele origin: germline. Affected: yes.
Comment: Absent from controls (or at extremely low frequency if recessive) in Genome Aggregation Database, Exome Sequencing Project, 1000 Genomes Project, or Exome Aggregation Consortium.;Patient's phenotype or family history is highly specific for a disease with a single genetic etiology.

NM_177987.3(TUBB8):c.1060T>C (p.Cys354Arg)

Gene: TUBB8 (tubulin beta 8 class VIII; minus strand). Cytogenetic location: 10p15.3.
Variant type: single nucleotide variant.
Coding change: c.1060T>C on transcript NM_177987.3 (MANE Select); coding-DNA position 1060, T replaced by C.
Protein change: p.Cys354Arg; replaces cysteine 354 with arginine.
Molecular consequence: missense variant.
Genome position (GRCh38, 1-based): chr10:47,332, A>G on the plus strand (T>C on the coding strand, the complement: TUBB8 is on the minus strand). VCF-style: chr10-47332-A-G. GRCh37 (hg19) VCF-style: chr10-93272-A-G.
Other names: c.844T>C, p.Cys282Arg (NM_001389619.1, NM_001389618.1); short protein forms C282R, C354R.
Identifiers: ClinVar variation 3382051 (VCV003382051.2).